The following is an entry in ClinVar:

ClinVar aggregate classification (germline): Conflicting classifications of pathogenicity. Review status: criteria provided, conflicting classifications (1 of 4 stars). 6 submissions from 6 submitters: Uncertain significance (1); Likely benign (5). Last evaluated 2025-12-21.

Conditions:
Cardiovascular phenotype. Identifiers: MedGen CN230736.
Dilated cardiomyopathy 1G (CMD1G). Identifiers: Orphanet 154, MedGen C1858763, MONDO:0011400, OMIM 604145.
Myopathy, myofibrillar, 9, with early respiratory failure (MFM9). Also called: Myopathy, distal, with early respiratory failure, autosomal dominant; Hereditary myopathy with early respiratory failure; EDSTROM MYOPATHY; MYOPATHY, PROXIMAL, WITH EARLY RESPIRATORY MUSCLE INVOLVEMENT. Identifiers: Orphanet 178464, Orphanet 34521, MedGen C1863599, MONDO:0011362, OMIM 603689.
Autosomal recessive limb-girdle muscular dystrophy type 2J (LGMDR10). Also called: MUSCULAR DYSTROPHY, LIMB-GIRDLE, AUTOSOMAL RECESSIVE 10; Limb-girdle muscular dystrophy, type 2J. Identifiers: Orphanet 140922, MedGen C1837342, MONDO:0012127, OMIM 608807.
Tibial muscular dystrophy (TMD). Also called: UDD MYOPATHY; Tibial muscular dystrophy, tardive; Udd Distal Myopathy – Tibial Muscular Dystrophy. Identifiers: Orphanet 609, MedGen C1838244, MONDO:0010870, OMIM 600334.
Early-onset myopathy with fatal cardiomyopathy (CMYO5). Also called: CONGENITAL MYOPATHY 5 WITH CARDIOMYOPATHY; Salih Myopathy. Identifiers: Orphanet 289377, MedGen C2673677, MONDO:0012714, OMIM 611705. Disease mechanism: loss of function.
Hypertrophic cardiomyopathy 9. Also called: Familial hypertrophic cardiomyopathy 9. Identifiers: MedGen C1861065, MONDO:0013412, OMIM 613765.
Cardiomyopathy (CMYO). Also called: Cardiomyopathies. Identifiers: Orphanet 167848, MedGen C0878544, MONDO:0004994, HP:0001638. Inheritance: Various modes of inheritance.

Allele frequency attached by ClinVar (database versions not stated): ExAC 0.00002; gnomAD exomes 0.00002; gnomAD 0.00004 and 0.00005; TOPMed 0.00004; ESP Exome Variant Server 0.00008.
gnomAD v4.1: 42 of 1,613,902 alleles (0.0026%); highest among the groups gnomAD compares: East Asian, 0.0067%; no homozygotes.

Submissions (6):

Labcorp Genetics (formerly Invitae), Labcorp
Classification: Likely benign for Dilated cardiomyopathy 1G; Autosomal recessive limb-girdle muscular dystrophy type 2J. Last evaluated: 2025-12-21. Review status: criteria provided, single submitter. Criteria: Invitae Variant Classification Sherloc (09022015). Collection method: clinical testing. Allele origin: germline.

CeGaT Center for Human Genetics Tuebingen
Classification: Uncertain significance. Last evaluated: 2023-09-01. Review status: criteria provided, single submitter. Criteria: CeGaT Center For Human Genetics Tuebingen Variant Classification Criteria Version 2. Collection method: clinical testing. Allele origin: germline. Affected: yes. Observed: 1 variant allele.
Comment: TTN: PM2, BP4

Women's Health and Genetics/Laboratory Corporation of America, LabCorp
Classification: Likely benign. Last evaluated: 2022-07-30. Review status: criteria provided, single submitter. Criteria: LabCorp Variant Classification Summary - May 2015. Collection method: clinical testing. Allele origin: germline.

Fulgent Genetics
Classification: Likely benign for Tibial muscular dystrophy; Myopathy, myofibrillar, 9, with early respiratory failure; Dilated cardiomyopathy 1G; Autosomal recessive limb-girdle muscular dystrophy type 2J; Early-onset myopathy with fatal cardiomyopathy; Hypertrophic cardiomyopathy 9. Last evaluated: 2021-08-12. Review status: criteria provided, single submitter. Criteria: ACMG Guidelines, 2015. Collection method: clinical testing. Allele origin: unknown.

CHEO Genetics Diagnostic Laboratory, Children's Hospital of Eastern Ontario
Classification: Likely benign for Cardiomyopathy. Last evaluated: 2019-01-25. Review status: criteria provided, single submitter. Criteria: ACMG Guidelines, 2015. Collection method: clinical testing. Allele origin: germline.

Ambry Genetics
Classification: Likely benign for Cardiovascular phenotype. Last evaluated: 2016-09-08. Review status: criteria provided, single submitter. Criteria: Ambry Variant Classification Scheme 2023. Collection method: clinical testing. Allele origin: germline.

NM_001267550.2(TTN):c.8937C>T (p.Asn2979=)

Gene: TTN (titin; minus strand). Cytogenetic location: 2q31.2.
Variant type: single nucleotide variant.
Coding change: c.8937C>T on transcript NM_001267550.2 (MANE Select); coding-DNA position 8937, C replaced by T.
Protein change: p.Asn2979=; no amino-acid change (asparagine 2979 retained).
Molecular consequence: synonymous variant.
Genome position (GRCh38, 1-based): chr2:178,768,899, G>A on the plus strand (C>T on the coding strand, the complement: TTN is on the minus strand). VCF-style: chr2-178768899-G-A. GRCh37 (hg19) VCF-style: chr2-179633626-G-A.
Other names: c.8937C>T, p.Asn2979= (NM_001256850.1, NM_133378.4, NM_133379.5); c.8799C>T, p.Asn2933= (NM_003319.4, NM_133432.3, NM_133437.4).
Identifiers: ClinVar variation 518563 (VCV000518563.41), dbSNP rs368525666, ClinGen allele CA2004474.
Genomic context (GRCh38, chr2:178,768,899, plus strand): 5'-GTAAGAGATGCCTTCATAGTTCACTGTCACCTCAAAAGTAATAGTGTCTTTTTCTTCAGC[G>A]TTGATGTCTTTCAGCATGGAAGTAATCATGATTGCTGCAAAGGAGAAAAGAAAAAACACC-3'
Protein context (NP_001254479.2, residues 2969-2989): IMITSMLKDI[Asn2979=]AEEKDTITFE